The following is an entry in ClinVar:

ClinVar aggregate classification (germline): Uncertain significance (1 of 4 stars; one submission).

Conditions:
TH-deficient dopa-responsive dystonia. Also called: Tyrosine Hydroxylase-Deficient Dopa-Responsive Dystonia; Segawa syndrome, autosomal recessive; DYT-TH. Identifiers: Orphanet 101150, MedGen C2673535, MONDO:0011551, OMIM 605407.

Allele frequency attached by ClinVar (database versions not stated): TOPMed below 0.00001; gnomAD 0.00001.

Submission:

Labcorp Genetics (formerly Invitae), Labcorp
Classification: Uncertain significance for TH-deficient dopa-responsive dystonia. Last evaluated: 2021-12-10. Review status: criteria provided, single submitter. Criteria: Invitae Variant Classification Sherloc (09022015). Collection method: clinical testing. Allele origin: germline.
Comment: In summary, the available evidence is currently insufficient to determine the role of this variant in disease. Therefore, it has been classified as a Variant of Uncertain Significance. Advanced modeling of protein sequence and biophysical properties (such as structural, functional, and spatial information, amino acid conservation, physicochemical variation, residue mobility, and thermodynamic stability) performed at Invitae indicates that this missense variant is not expected to disrupt TH protein function. This variant has not been reported in the literature in individuals affected with TH-related conditions. This variant is not present in population databases (gnomAD no frequency). This sequence change replaces alanine, which is neutral and non-polar, with threonine, which is neutral and polar, at codon 496 of the TH protein (p.Ala496Thr).

NM_000360.4(TH):c.1393G>A (p.Ala465Thr)

Gene: TH (tyrosine hydroxylase; minus strand). Cytogenetic location: 11p15.5.
Variant type: single nucleotide variant.
Coding change: c.1393G>A on transcript NM_000360.4 (MANE Select); coding-DNA position 1393, G replaced by A.
Protein change: p.Ala465Thr; replaces alanine 465 with threonine.
Molecular consequence: missense variant.
Genome position (GRCh38, 1-based): chr11:2,164,334, C>T on the plus strand (G>A on the coding strand, the complement: TH is on the minus strand). VCF-style: chr11-2164334-C-T. GRCh37 (hg19) VCF-style: chr11-2185564-C-T.
Other names: c.1486G>A, p.Ala496Thr (NM_199292.3); c.1474G>A, p.Ala492Thr (NM_199293.3); short protein forms A496T, A465T, A492T.
Identifiers: ClinVar variation 1371939 (VCV001371939.6), dbSNP rs1846021958, ClinGen allele CA379124451.